The following is an entry in ClinVar:

NM_001367624.2(ZNF469):c.7375G>C (p.Glu2459Gln)

Gene: ZNF469 (zinc finger protein 469; plus strand). Cytogenetic location: 16q24.2.
Variant type: single nucleotide variant.
Coding change: c.7375G>C on transcript NM_001367624.2 (MANE Select); coding-DNA position 7375, G replaced by C.
Protein change: p.Glu2459Gln; replaces glutamic acid 2459 with glutamine.
Molecular consequence: missense variant.
Genome position (GRCh38, 1-based): chr16:88,434,845, G>C. VCF-style: chr16-88434845-G-C. GRCh37 (hg19) VCF-style: chr16-88501253-G-C.
Other names: NM_001127464.1:c.7291G>C; short protein forms E2459Q.
Identifiers: ClinVar variation 3774905 (VCV003774905.1).

ClinVar aggregate classification (germline): Uncertain significance (1 of 4 stars; one submission).

gnomAD v4.1: 1 of 1,550,368 alleles (0.000065%); highest among the groups gnomAD compares: Non-Finnish European, 0.000087%; no homozygotes.

Submission:

GeneDx
Classification: Uncertain significance. Last evaluated: 2024-09-25. Review status: criteria provided, single submitter. Criteria: GeneDx Variant Classification Process June 2021. Collection method: clinical testing. Allele origin: germline. Affected: yes.
Comment: Not observed at significant frequency in large population cohorts (gnomAD); In silico analysis indicates that this missense variant does not alter protein structure/function; Has not been previously published as pathogenic or benign to our knowledge